The following is an entry in ClinVar:

ClinVar aggregate classification (germline): Pathogenic (0 of 4 stars; one submission).

Conditions:
Congenital heart disease (CHD). Identifiers: MedGen C0152021, MONDO:0005453. Disease mechanism: unknown.

Submission:

Cytogenetics- Mohapatra Lab, Banaras Hindu University
Classification: Pathogenic for Congenital heart disease. Last evaluated: 2013-05-15. Review status: no assertion criteria provided. Collection method: case-control. Allele origin: unknown. Affected: yes. Observed: 1 variant allele.

NM_001308093.3(GATA4):c.383A>T (p.Glu128Val)

Gene: GATA4 (GATA binding protein 4). Cytogenetic location: 8p23.1.
Variant type: single nucleotide variant.
Coding change: c.383A>T on transcript NM_001308093.3 (MANE Select); coding-DNA position 383, A replaced by T.
Protein change: p.Glu128Val; replaces glutamic acid 128 with valine.
Molecular consequence: missense variant. On other transcripts: intron variant (3).
Genome position (GRCh38, 1-based): chr8:11,708,695, A>T. VCF-style: chr8-11708695-A-T. GRCh37 (hg19) VCF-style: chr8-11566204-A-T.
Other names: c.383A>T, p.Glu128Val (NM_002052.5); c.-6+7917A>T (NM_001308094.2); c.-3+681A>T (NM_001374274.1); c.-3+4391A>T (NM_001374273.1); short protein forms E128V.
Identifiers: ClinVar variation 219228 (VCV000219228.2), dbSNP rs864321700, ClinGen allele CA347958.
Genomic context (GRCh38, chr8:11,708,695, plus strand): 5'-TCTCCTTCCCGGGGACCACCGGGTCCCTGGCGGCCGCCGCCGCCGCTGCCGCGGCCCGGG[A>T]AGCTGCGGCCTACAGCAGTGGCGGCGGAGCGGCGGGTGCGGGCCTGGCGGGCCGCGAGCA-3'
Protein context (NP_001295022.1, residues 118-138): AAAAAAAAAR[Glu128Val]AAAYSSGGGA